The following is an entry in ClinVar:

NM_000540.3(RYR1):c.165+1G>A

Gene: RYR1 (ryanodine receptor 1; plus strand). Cytogenetic location: 19q13.2.
Variant type: single nucleotide variant.
Coding change: c.165+1G>A on transcript NM_000540.3 (MANE Select); the canonical splice donor site of the intron after coding-DNA position 165, G replaced by A.
Molecular consequence: splice donor variant.
Genome position (GRCh38, 1-based): chr19:38,440,865, G>A. VCF-style: chr19-38440865-G-A. GRCh37 (hg19) VCF-style: chr19-38931505-G-A.
Other names: c.165+1G>A (NM_001042723.2).
Identifiers: ClinVar variation 2808067 (VCV002808067.4), dbSNP rs1388577237, ClinGen allele CA405672294.

ClinVar aggregate classification (germline): Conflicting classifications of pathogenicity. Review status: criteria provided, conflicting classifications (1 of 4 stars). 2 submissions from 2 submitters: Likely pathogenic (1); Uncertain significance (1). Last evaluated 2023-12-03.

Conditions:
Malignant hyperthermia, susceptibility to, 1 (MHS1). Also called: RYR1-Related Malignant Hyperthermia Susceptibility; Malignant hyperthermia suceptibility 1; Anesthesia related hyperthermia; Malignant hyperpyrexia; Fulminating hyperpyrexia; Pharmacogenic myopathy. Identifiers: Orphanet 423, MedGen C2930980, MONDO:0007783, OMIM 145600.
RYR1-related disorder. Also called: RYR1-related condition; RYR1-related disorders. Identifiers: MedGen CN239331.

Submissions (2):

Labcorp Genetics (formerly Invitae), Labcorp
Classification: Likely pathogenic for RYR1-related disorder. Last evaluated: 2023-12-03. Review status: criteria provided, single submitter. Criteria: Invitae Variant Classification Sherloc (09022015). Collection method: clinical testing. Allele origin: germline.
Comment: This sequence change affects a donor splice site in intron 2 of the RYR1 gene. It is expected to disrupt RNA splicing. Variants that disrupt the donor or acceptor splice site typically lead to a loss of protein function (PMID: 16199547), and loss-of-function variants in RYR1 are known to be pathogenic (PMID: 23919265, 25960145, 28818389, 30611313). This variant is not present in population databases (gnomAD no frequency). This variant has not been reported in the literature in individuals affected with RYR1-related conditions. Algorithms developed to predict the effect of sequence changes on RNA splicing suggest that this variant may disrupt the consensus splice site. In summary, the currently available evidence indicates that the variant is pathogenic, but additional data are needed to prove that conclusively. Therefore, this variant has been classified as Likely Pathogenic.

All of Us Research Program, National Institutes of Health
Classification: Uncertain significance for Malignant hyperthermia, susceptibility to, 1. Last evaluated: 2023-06-08. Review status: criteria provided, single submitter. Criteria: ACMG Guidelines, 2015. Collection method: clinical testing. Allele origin: germline. Inheritance: Autosomal dominant inheritance. Observed: 1 variant allele, 1 heterozygote.
Comment: This variant causes a G to A nucleotide substitution at the +1 position of intron 2 of the RYR1 gene. Splice site prediction tools suggest that this variant may have a significant impact on RNA splicing. This variant has not been reported in individuals affected with RYR1-related disorders in the literature. Loss of RYR1 function due to haploinsufficiency is associated with congenital myopathy, but it is not an established disease mechanism for autosomal dominant malignant hyperthermia susceptibility. This variant has not been identified in the general population by the Genome Aggregation Database (gnomAD). Due to insufficient evidence, this variant is classified as a Variant of Uncertain Significance for autosomal dominant malignant hyperthermia.

This study involves interpretation of variants in research participants for the purpose of population health screening. Participant phenotype was not available at the time of variant classification. Additional details can be found in publication PMID: 35346344, PMCID: PMC8962531

Literature cited by the submitters: PubMed 16199547 (cited by Labcorp Genetics (formerly Invitae), Labcorp); PubMed 23919265 (cited by Labcorp Genetics (formerly Invitae), Labcorp); PubMed 25960145 (cited by Labcorp Genetics (formerly Invitae), Labcorp); PubMed 28818389 (cited by Labcorp Genetics (formerly Invitae), Labcorp); PubMed 30611313 (cited by Labcorp Genetics (formerly Invitae), Labcorp).